The following is an entry in ClinVar:

NM_145178.4(ATOH7):c.6G>C (p.Lys2Asn)

Gene: ATOH7 (atonal bHLH transcription factor 7; minus strand). Cytogenetic location: 10q21.3.
Variant type: single nucleotide variant.
Coding change: c.6G>C on transcript NM_145178.4 (MANE Select); coding-DNA position 6, G replaced by C.
Protein change: p.Lys2Asn; replaces lysine 2 with asparagine.
Molecular consequence: missense variant.
Genome position (GRCh38, 1-based): chr10:68,231,672, C>G on the plus strand (G>C on the coding strand, the complement: ATOH7 is on the minus strand). VCF-style: chr10-68231672-C-G. GRCh37 (hg19) VCF-style: chr10-69991429-C-G.
Other names: short protein forms K2N.
Identifiers: ClinVar variation 2004447 (VCV002004447.4), dbSNP rs2492043819, ClinGen allele CA376838165.

ClinVar aggregate classification (germline): Uncertain significance (1 of 4 stars; one submission).

Submission:

Labcorp Genetics (formerly Invitae), Labcorp
Classification: Uncertain significance. Last evaluated: 2025-09-02. Review status: criteria provided, single submitter. Criteria: Invitae Variant Classification Sherloc (09022015). Collection method: clinical testing. Allele origin: germline.
Comment: This sequence change replaces lysine, which is basic and polar, with asparagine, which is neutral and polar, at codon 2 of the ATOH7 protein (p.Lys2Asn). This variant is not present in population databases (gnomAD no frequency). This variant has not been reported in the literature in individuals affected with ATOH7-related conditions. ClinVar contains an entry for this variant (Variation ID: 2004447). An algorithm developed to predict the effect of missense changes on protein structure and function (PolyPhen-2) suggests that this variant is likely to be tolerated. In summary, the available evidence is currently insufficient to determine the role of this variant in disease. Therefore, it has been classified as a Variant of Uncertain Significance.